The following is an entry in ClinVar:

NM_001367624.2(ZNF469):c.9914C>G (p.Pro3305Arg)

Gene: ZNF469 (zinc finger protein 469; plus strand). Cytogenetic location: 16q24.2.
Variant type: single nucleotide variant.
Coding change: c.9914C>G on transcript NM_001367624.2 (MANE Select); coding-DNA position 9914, C replaced by G.
Protein change: p.Pro3305Arg; replaces proline 3305 with arginine.
Molecular consequence: missense variant.
Genome position (GRCh38, 1-based): chr16:88,437,384, C>G. VCF-style: chr16-88437384-C-G. GRCh37 (hg19) VCF-style: chr16-88503792-C-G.
Other names: short protein forms P3305R.
Identifiers: ClinVar variation 2184174 (VCV002184174.1), dbSNP rs1289168542, ClinGen allele CA397125105.

ClinVar aggregate classification (germline): Uncertain significance (1 of 4 stars; one submission).

gnomAD v4.1: 5 of 1,536,542 alleles (0.00033%); highest among the groups gnomAD compares: Non-Finnish European, 0.00044%; no homozygotes.

Submission:

Labcorp Genetics (formerly Invitae), Labcorp
Classification: Uncertain significance. Last evaluated: 2021-12-12. Review status: criteria provided, single submitter. Criteria: Invitae Variant Classification Sherloc (09022015). Collection method: clinical testing. Allele origin: germline.
Comment: This sequence change replaces proline, which is neutral and non-polar, with arginine, which is basic and polar, at codon 3277 of the ZNF469 protein (p.Pro3277Arg). This variant is present in population databases (no rsID available, gnomAD 0.002%). This variant has not been reported in the literature in individuals affected with ZNF469-related conditions. Algorithms developed to predict the effect of missense changes on protein structure and function are either unavailable or do not agree on the potential impact of this missense change (SIFT: "Deleterious"; PolyPhen-2: "Benign"; Align-GVGD: "Class C0"). In summary, the available evidence is currently insufficient to determine the role of this variant in disease. Therefore, it has been classified as a Variant of Uncertain Significance.